The following is an entry in ClinVar:

ClinVar aggregate classification (germline): Uncertain significance. Review status: criteria provided, multiple submitters, no conflicts (2 of 4 stars). 3 submissions from 3 submitters: Uncertain significance (3). Last evaluated 2025-11-17.

Conditions:
Ornithine carbamoyltransferase deficiency (OTCD). Also called: ORNITHINE TRANSCARBAMYLASE DEFICIENCY; ORNITHINE TRANSCARBAMYLASE DEFICIENCY, HYPERAMMONEMIA DUE TO; OTC DEFICIENCY; Ornithine Carbamoyltransferase Deficiency Disease. Identifiers: Orphanet 664, MedGen C0268542, MONDO:0010703, OMIM 311250.

Allele frequency attached by ClinVar (database versions not stated): gnomAD exomes 0.00001.
gnomAD v4.1: 6 of 1,198,686 alleles (0.0005%); highest among the groups gnomAD compares: Non-Finnish European, 0.00057%; no homozygotes.

Submissions (3):

Color Diagnostics, LLC DBA Color Health
Classification: Uncertain significance for Ornithine carbamoyltransferase deficiency. Last evaluated: 2025-11-17. Review status: criteria provided, single submitter. Criteria: ACMG Guidelines, 2015. Collection method: clinical testing. Allele origin: germline.
Comment: This missense variant replaces glutamine with arginine at codon 348 of the OTC protein. Computational prediction is inconclusive regarding the impact of this variant on protein structure and function. To our knowledge, functional studies have not been reported for this variant. This variant has not been reported in individuals affected with OTC-related disorders in the literature. This variant has not been identified in the general population by the Genome Aggregation Database (gnomAD). The available evidence is insufficient to determine the role of this variant in disease conclusively. Therefore, this variant is classified as a Variant of Uncertain Significance.

Labcorp Genetics (formerly Invitae), Labcorp
Classification: Uncertain significance for Ornithine carbamoyltransferase deficiency. Last evaluated: 2024-03-13. Review status: criteria provided, single submitter. Criteria: Invitae Variant Classification Sherloc (09022015). Collection method: clinical testing. Allele origin: germline.
Comment: This sequence change replaces glutamine, which is neutral and polar, with arginine, which is basic and polar, at codon 348 of the OTC protein (p.Gln348Arg). This variant is not present in population databases (gnomAD no frequency). This variant has not been reported in the literature in individuals affected with OTC-related conditions. Advanced modeling of protein sequence and biophysical properties (such as structural, functional, and spatial information, amino acid conservation, physicochemical variation, residue mobility, and thermodynamic stability) performed at Invitae indicates that this missense variant is expected to disrupt OTC protein function with a positive predictive value of 95%. In summary, the available evidence is currently insufficient to determine the role of this variant in disease. Therefore, it has been classified as a Variant of Uncertain Significance.

All of Us Research Program, National Institutes of Health
Classification: Uncertain significance for Ornithine carbamoyltransferase deficiency. Last evaluated: 2023-08-15. Review status: criteria provided, single submitter. Criteria: ACMG Guidelines, 2015. Collection method: clinical testing. Allele origin: germline. Inheritance: X-linked inheritance. Observed: 2 variant alleles, 2 heterozygotes.
Comment: This missense variant replaces glutamine with arginine at codon 348 of the OTC protein. Computational prediction is inconclusive regarding the impact of this variant on protein structure and function (internally defined REVEL score threshold 0.5 < inconclusive < 0.7, PMID: 27666373). To our knowledge, functional studies have not been reported for this variant. This variant has not been reported in individuals affected with OTC-related disorders in the literature. This variant has not been identified in the general population by the Genome Aggregation Database (gnomAD). The available evidence is insufficient to determine the role of this variant in disease conclusively. Therefore, this variant is classified as a Variant of Uncertain Significance.

This study involves interpretation of variants in research participants for the purpose of population health screening. Participant phenotype was not available at the time of variant classification. Additional details can be found in publication PMID: 35346344, PMCID: PMC8962531

NM_000531.6(OTC):c.1043A>G (p.Gln348Arg)

Gene: OTC (ornithine transcarbamylase; plus strand). Cytogenetic location: Xp11.4.
Variant type: single nucleotide variant.
Coding change: c.1043A>G on transcript NM_000531.6 (MANE Select); coding-DNA position 1043, A replaced by G.
Protein change: p.Gln348Arg; replaces glutamine 348 with arginine.
Molecular consequence: missense variant.
Genome position (GRCh38, 1-based): chrX:38,421,060, A>G. VCF-style: chrX-38421060-A-G. GRCh37 (hg19) VCF-style: chrX-38280313-A-G.
Other names: c.1043A>G, p.Gln348Arg (NM_001407092.1); short protein forms Q348R.
Identifiers: ClinVar variation 3072806 (VCV003072806.4), dbSNP rs2519987008, ClinGen allele CA412728076.